The following is an entry in ClinVar:

NM_152703.5(SAMD9L):c.3292G>T (p.Asp1098Tyr)

Gene: SAMD9L (sterile alpha motif domain containing 9 like; minus strand). Cytogenetic location: 7q21.2.
Variant type: single nucleotide variant.
Coding change: c.3292G>T on transcript NM_152703.5 (MANE Select); coding-DNA position 3292, G replaced by T.
Protein change: p.Asp1098Tyr; replaces aspartic acid 1098 with tyrosine.
Molecular consequence: missense variant.
Genome position (GRCh38, 1-based): chr7:93,132,680, C>A on the plus strand (G>T on the coding strand, the complement: SAMD9L is on the minus strand). VCF-style: chr7-93132680-C-A. GRCh37 (hg19) VCF-style: chr7-92761993-C-A.
Other names: c.3292G>T, p.Asp1098Tyr (NM_001303496.3, NM_001303497.3, NM_001303498.3 and 5 more transcripts); short protein forms D1098Y.
Identifiers: ClinVar variation 3949958 (VCV003949958.1).
Genomic context (GRCh38, chr7:93,132,680, plus strand): 5'-AGGAATTTTTAGGTGCTTTCATTTTGGCCTGACGTGCCCAGTCCAGAGCTGTGTTAAAGT[C>A]CTTCTCTTTAATGTAGAAATGTCTTGCTAAGGCTTGACAAATGAATGCATTTTGTGGGAA-3'
Protein context (NP_689916.2, residues 1088-1108): LARHFYIKEK[Asp1098Tyr]FNTALDWARQ

ClinVar aggregate classification (germline): Uncertain significance (1 of 4 stars; one submission).

Conditions:
Inborn genetic diseases. Identifiers: MedGen C0950123, MeSH D030342.

Submission:

Ambry Genetics
Classification: Uncertain significance for Inborn genetic diseases. Last evaluated: 2025-05-25. Review status: criteria provided, single submitter. Criteria: Ambry Variant Classification Scheme 2023. Collection method: clinical testing. Allele origin: germline.
Comment: The p.D1098Y variant (also known as c.3292G>T), located in coding exon 1 of the SAMD9L gene, results from a G to T substitution at nucleotide position 3292. The aspartic acid at codon 1098 is replaced by tyrosine, an amino acid with highly dissimilar properties. This amino acid position is conserved. In addition, this alteration is predicted to be tolerated by in silico analysis. Based on the available evidence, the clinical significance of this variant remains unclear.